The following is an entry in ClinVar:

ClinVar aggregate classification (germline): Pathogenic/Likely pathogenic. Review status: criteria provided, multiple submitters, no conflicts (2 of 4 stars). 7 submissions from 7 submitters: Pathogenic (4); Likely pathogenic (2). 1 of the submissions does not count toward it. Last evaluated 2026-06-11.

Conditions:
PKD1-related disorder. Also called: PKD1-related condition.
Polycystic kidney disease, adult type (PKD1). Also called: Polycystic Kidney, Autosomal Dominant; POLYCYSTIC KIDNEY DISEASE 1 WITH OR WITHOUT POLYCYSTIC LIVER DISEASE; POLYCYSTIC KIDNEY DISEASE, ADULT, TYPE I; Polycystic Kidney Disease 1, Autosomal Dominant; Polycystic kidney disease 1; Polycystic kidney disease 1, severe. Identifiers: MedGen C3149841, MONDO:0008263, OMIM 173900.

Submissions (7):

Institute of Human Genetics, University of Leipzig Medical Center
Classification: Pathogenic for Polycystic kidney disease, adult type. Last evaluated: 2026-06-11. Review status: criteria provided, single submitter. Criteria: ACMG Guidelines, 2015. Collection method: clinical testing. Allele origin: unknown. Inheritance: Autosomal dominant inheritance. Affected: yes.
Comment: Criteria applied: PM2,PP4,PS4_MOD,PVS1

Women's Health and Genetics/Laboratory Corporation of America, LabCorp
Classification: Pathogenic for Polycystic kidney disease, adult type. Last evaluated: 2025-05-01. Review status: criteria provided, single submitter. Criteria: LabCorp Variant Classification Summary - May 2015. Collection method: clinical testing. Allele origin: germline.
Comment: Variant summary: PKD1 c.4165_4166delAG (p.Arg1389AlafsX41) results in a premature termination codon, predicted to cause a truncation of the encoded protein or absence of the protein due to nonsense mediated decay, which are commonly known mechanisms for disease. The variant was absent in 246698 control chromosomes. To our knowledge, no occurrence of c.4165_4166delAG in individuals affected with Polycystic Kidney Disease 1 and no experimental evidence demonstrating its impact on protein function have been reported. ClinVar contains an entry for this variant (Variation ID: 447981). Based on the evidence outlined above, the variant was classified as pathogenic.

Fulgent Genetics
Classification: Pathogenic for Polycystic kidney disease, adult type. Last evaluated: 2024-04-09. Review status: criteria provided, single submitter. Criteria: ACMG Guidelines, 2015. Collection method: clinical testing. Allele origin: germline.

Blueprint Genetics
Classification: Likely pathogenic for PKD1-related disorders. Last evaluated: 2020-08-03. Review status: criteria provided, single submitter. Criteria: ACMG Guidelines, 2015. Collection method: clinical testing. Allele origin: germline. Affected: yes. Observed: 1 variant allele.

Athena Diagnostics
Classification: Likely pathogenic. Last evaluated: 2017-07-27. Review status: criteria provided, single submitter. Criteria: Athena Diagnostics Criteria. Collection method: clinical testing. Allele origin: germline.

Juno Genomics, Hangzhou Juno Genomics, Inc
Classification: Pathogenic for Polycystic kidney disease, adult type. Review status: criteria provided, single submitter. Criteria: ACMG Guidelines, 2015. Collection method: clinical testing. Allele origin: germline. Affected: yes.
Comment: Null variant in a gene where loss of function (LOF) is a known mechanism of disease.;Absent from controls (or at extremely low frequency if recessive) in Genome Aggregation Database, Exome Sequencing Project, 1000 Genomes Project, or Exome Aggregation Consortium.;Patient's phenotype or family history is highly specific for a disease with a single genetic etiology.

Institute of Human Genetics, Cologne University
Classification: Likely pathogenic for Polycystic kidney disease, adult type. Review status: no assertion criteria provided. Collection method: clinical testing. Allele origin: unknown. Inheritance: Autosomal dominant inheritance. Affected: yes. Observed: 1 heterozygote. Not counted in ClinVar's aggregate classification.

NM_001009944.3(PKD1):c.4165_4166del (p.Arg1389fs)

Gene: PKD1 (polycystin 1, transient receptor potential channel interacting; minus strand). Cytogenetic location: 16p13.3.
Variant type: Microsatellite.
Coding change: c.4165_4166del on transcript NM_001009944.3 (MANE Select); coding-DNA positions 4165 to 4166, 2 bases deleted (AG; older notation c.4165_4166delAG).
Protein change: p.Arg1389fs; shifts the reading frame from arginine 1389.
Molecular consequence: frameshift variant.
Genome position (GRCh38, 1-based): chr16:2,111,001-2,111,002, CT deleted on the plus strand (AG on the coding strand, the reverse complement: PKD1 is on the minus strand); deleting any 2 consecutive bases within chr16:2,111,001-2,111,006 gives the same sequence; the c. name uses the placement nearest the transcript's 3' end. VCF-style (leftmost placement, unchanged base first): chr16-2111000-CCT-C. GRCh37 (hg19) VCF-style: chr16-2161001-CCT-C.
Other names: c.4165_4166delAG (NM_001009944.3); c.4165_4166del, p.Arg1389fs (NM_000296.4); short protein forms R1389fs.
Identifiers: ClinVar variation 447981 (VCV000447981.8), dbSNP rs1555456208, ClinGen allele CA658658383.